The following is an entry in ClinVar:

NM_015272.5(RPGRIP1L):c.1863A>G (p.Leu621=)

Gene: RPGRIP1L (RPGRIP1 like; minus strand). Cytogenetic location: 16q12.2.
Variant type: single nucleotide variant.
Coding change: c.1863A>G on transcript NM_015272.5 (MANE Select); coding-DNA position 1863, A replaced by G.
Protein change: p.Leu621=; no amino-acid change (leucine 621 retained).
Molecular consequence: synonymous variant.
Genome position (GRCh38, 1-based): chr16:53,652,824, T>C on the plus strand (A>G on the coding strand, the complement: RPGRIP1L is on the minus strand). VCF-style: chr16-53652824-T-C. GRCh37 (hg19) VCF-style: chr16-53686736-T-C.
Other names: c.1863A>G, p.Leu621= (NM_001127897.4, NM_001308334.3, NM_001330538.2); c.1863A>G (NM_015272.4).
Identifiers: ClinVar variation 1130409 (VCV001130409.12), dbSNP rs765009772, ClinGen allele CA8057685.

ClinVar aggregate classification (germline): Likely benign. Review status: criteria provided, multiple submitters, no conflicts (2 of 4 stars). 3 submissions from 3 submitters: Likely benign (2). 1 of the submissions does not count toward it. Last evaluated 2025-10-21.

Conditions:
RPGRIP1L-related disorder. Also called: RPGRIP1L-related condition; RPGRIP1L-related disorders. Identifiers: MedGen CN239416.
Meckel-Gruber syndrome. Also called: DYSENCEPHALIA SPLANCHNOCYSTICA; GRUBER SYNDROME; Dysencephalia splachnocystica. Identifiers: Orphanet 564, MedGen C0265215, MONDO:0018921.
Joubert syndrome. Also called: Familial aplasia of the vermis; JOUBERT-BOLTSHAUSER SYNDROME. Identifiers: Orphanet 475, MedGen C5979921, MONDO:0018772.

Allele frequency attached by ClinVar (database versions not stated): ExAC 0.00001; gnomAD 0.00001; gnomAD exomes 0.00001 and 0.00002; TOPMed 0.00002.
gnomAD v4.1: 31 of 1,613,628 alleles (0.0019%); highest among the groups gnomAD compares: Non-Finnish European, 0.0025%; no homozygotes.

Submissions (3):

Labcorp Genetics (formerly Invitae), Labcorp
Classification: Likely benign for Joubert syndrome; Meckel-Gruber syndrome. Last evaluated: 2025-10-21. Review status: criteria provided, single submitter. Criteria: Invitae Variant Classification Sherloc (09022015). Collection method: clinical testing. Allele origin: germline.

Blueprint Genetics
Classification: Likely benign. Last evaluated: 2021-10-17. Review status: criteria provided, single submitter. Criteria: ACMG Guidelines, 2015. Collection method: clinical testing. Allele origin: germline.

PreventionGenetics, part of Exact Sciences
Classification: Likely benign for RPGRIP1L-related condition. Last evaluated: 2022-06-08. Review status: no assertion criteria provided. Collection method: clinical testing. Allele origin: germline. Not counted in ClinVar's aggregate classification.
Comment: This variant is classified as likely benign based on ACMG/AMP sequence variant interpretation guidelines (Richards et al. 2015 PMID: 25741868, with internal and published modifications).